The following is an entry in ClinVar:

NM_001379291.1(BRD4):c.1342-8C>T

Gene: BRD4 (bromodomain containing 4; minus strand). Cytogenetic location: 19p13.12.
Variant type: single nucleotide variant.
Coding change: c.1342-8C>T on transcript NM_001379291.1 (MANE Select); 8 bases into the intron before coding-DNA position 1342, C replaced by T.
Molecular consequence: intron variant.
Genome position (GRCh38, 1-based): chr19:15,257,181, G>A on the plus strand (C>T on the coding strand, the complement: BRD4 is on the minus strand). VCF-style: chr19-15257181-G-A. GRCh37 (hg19) VCF-style: chr19-15367992-G-A.
Other names: c.1342-8C>T (NM_058243.3, NM_001379292.1, NM_014299.3 and 1 more transcripts).
Identifiers: ClinVar variation 743575 (VCV000743575.9), dbSNP rs752557141, ClinGen allele CA9265385.

ClinVar aggregate classification (germline): Benign. Review status: criteria provided, single submitter (1 of 4 stars). 2 submissions from 2 submitters: Benign (1). 1 of the submissions does not count toward it. Last evaluated 2025-11-02.

Conditions:
BRD4-related disorder. Also called: BRD4-related condition.

Allele frequency attached by ClinVar (database versions not stated): gnomAD exomes 0.00004 and 0.00011; gnomAD 0.00005 and 0.00006; TOPMed 0.00009; ExAC 0.00015.
gnomAD v4.1: 61 of 1,597,150 alleles (0.0038%); highest among the groups gnomAD compares: Admixed American, 0.054%; no homozygotes.

Submissions (2):

Labcorp Genetics (formerly Invitae), Labcorp
Classification: Benign. Last evaluated: 2025-11-02. Review status: criteria provided, single submitter. Criteria: Invitae Variant Classification Sherloc (09022015). Collection method: clinical testing. Allele origin: germline.

PreventionGenetics, part of Exact Sciences
Classification: Likely benign for BRD4-related condition. Last evaluated: 2023-03-31. Review status: no assertion criteria provided. Collection method: clinical testing. Allele origin: germline. Not counted in ClinVar's aggregate classification.
Comment: This variant is classified as likely benign based on ACMG/AMP sequence variant interpretation guidelines (Richards et al. 2015 PMID: 25741868, with internal and published modifications).